The following is an entry in ClinVar:

ClinVar aggregate classification (germline): Uncertain significance. Review status: criteria provided, multiple submitters, no conflicts (2 of 4 stars). 2 submissions from 2 submitters: Uncertain significance (2). Last evaluated 2025-05-27.

Conditions:
Juvenile myelomonocytic leukemia (JMML). Also called: LEUKEMIA, JUVENILE MYELOMONOCYTIC, SOMATIC. Identifiers: Orphanet 86834, MedGen C0349639, MONDO:0011908, OMIM 607785, HP:0012209.
Cardiovascular phenotype. Identifiers: MedGen CN230736.

Submissions (2):

Ambry Genetics
Classification: Uncertain significance for Cardiovascular phenotype. Last evaluated: 2025-05-27. Review status: criteria provided, single submitter. Criteria: Ambry Variant Classification Scheme 2023. Collection method: clinical testing. Allele origin: germline.
Comment: The p.S145C variant (also known as c.434C>G), located in coding exon 2 of the CBL gene, results from a C to G substitution at nucleotide position 434. The serine at codon 145 is replaced by cysteine, an amino acid with dissimilar properties. This amino acid position is conserved. In addition, this alteration is predicted to be deleterious by in silico analysis. Based on the available evidence, the clinical significance of this variant remains unclear.

Baylor Genetics
Classification: Uncertain significance for Juvenile myelomonocytic leukemia. Last evaluated: 2023-07-20. Review status: criteria provided, single submitter. Criteria: ACMG Guidelines, 2015. Collection method: clinical testing. Allele origin: unknown.

NM_005188.4(CBL):c.434C>G (p.Ser145Cys)

Gene: CBL (Cbl proto-oncogene; plus strand). Cytogenetic location: 11q23.3.
Variant type: single nucleotide variant.
Coding change: c.434C>G on transcript NM_005188.4 (MANE Select); coding-DNA position 434, C replaced by G.
Protein change: p.Ser145Cys; replaces serine 145 with cysteine.
Molecular consequence: missense variant.
Genome position (GRCh38, 1-based): chr11:119,232,686, C>G. VCF-style: chr11-119232686-C-G. GRCh37 (hg19) VCF-style: chr11-119103396-C-G.
Other names: c.434C>G (NM_005188.2); short protein forms S145C.
Identifiers: ClinVar variation 2680397 (VCV002680397.2), dbSNP rs1383200629, ClinGen allele CA382896056.
Genomic context (GRCh38, chr11:119,232,686, plus strand): 5'-AAACTAAGCAAACCATAAGCCTCTTCAAGGAGGGAAAAGAAAGAATGTATGAGGAGAATT[C>G]TCAGCCTAGGTAATGGAGAAATACTACACAAATAATTATGCAGGTCTGTGACTGCCTGAA-3'
Protein context (NP_005179.2, residues 135-155): EGKERMYEEN[Ser145Cys]QPRRNLTKLS